The following is an entry in ClinVar:

NM_001267550.2(TTN):c.19785A>C (p.Ala6595=)

Genes: TTN (titin; minus strand), LOC126806429 (BRD4-independent group 4 enhancer GRCh37_chr2:179591393-179592592; plus strand). Cytogenetic location: 2q31.2.
Variant type: single nucleotide variant.
Coding change: c.19785A>C on transcript NM_001267550.2 (MANE Select); coding-DNA position 19785, A replaced by C.
Protein change: p.Ala6595=; no amino-acid change (alanine 6595 retained).
Molecular consequence: synonymous variant. On other transcripts: intron variant (3).
Genome position (GRCh38, 1-based): chr2:178,727,793, T>G on the plus strand (A>C on the coding strand, the complement: TTN is on the minus strand). VCF-style: chr2-178727793-T-G. GRCh37 (hg19) VCF-style: chr2-179592520-T-G.
Other names: c.18834A>C, p.Ala6278= (NM_001256850.1); c.16053A>C, p.Ala5351= (NM_133378.4); c.13282+10289A>C (NM_003319.4); c.13858+10289A>C (NM_133437.4); c.13657+10289A>C (NM_133432.3).
Identifiers: ClinVar variation 3031562 (VCV003031562.4), dbSNP rs2529816923, ClinGen allele CA430291890.

ClinVar aggregate classification (germline): Likely benign. Review status: criteria provided, single submitter (1 of 4 stars). 2 submissions from 2 submitters: Likely benign (1). 1 of the submissions does not count toward it. Last evaluated 2024-10-19.

Conditions:
TTN-related disorder. Also called: TTN-related disorders; TTN-related condition; TTN-related disease.
Dilated cardiomyopathy 1G (CMD1G). Identifiers: Orphanet 154, MedGen C1858763, MONDO:0011400, OMIM 604145.
Autosomal recessive limb-girdle muscular dystrophy type 2J (LGMDR10). Also called: Limb-girdle muscular dystrophy, type 2J; MUSCULAR DYSTROPHY, LIMB-GIRDLE, AUTOSOMAL RECESSIVE 10. Identifiers: Orphanet 140922, MedGen C1837342, MONDO:0012127, OMIM 608807.

Submissions (2):

Labcorp Genetics (formerly Invitae), Labcorp
Classification: Likely benign for Dilated cardiomyopathy 1G; Autosomal recessive limb-girdle muscular dystrophy type 2J. Last evaluated: 2024-10-19. Review status: criteria provided, single submitter. Criteria: Invitae Variant Classification Sherloc (09022015). Collection method: clinical testing. Allele origin: germline.

PreventionGenetics, part of Exact Sciences
Classification: Likely benign for TTN-related condition. Last evaluated: 2020-11-16. Review status: no assertion criteria provided. Collection method: clinical testing. Allele origin: germline. Not counted in ClinVar's aggregate classification.
Comment: This variant is classified as likely benign based on ACMG/AMP sequence variant interpretation guidelines (Richards et al. 2015 PMID: 25741868, with internal and published modifications).